The following is an entry in ClinVar:

NM_000368.5(TSC1):c.3080G>T (p.Arg1027Leu)

Gene: TSC1 (TSC complex subunit 1; minus strand). Cytogenetic location: 9q34.13.
Variant type: single nucleotide variant.
Coding change: c.3080G>T on transcript NM_000368.5 (MANE Select); coding-DNA position 3080, G replaced by T.
Protein change: p.Arg1027Leu; replaces arginine 1027 with leucine.
Molecular consequence: missense variant.
Genome position (GRCh38, 1-based): chr9:132,896,650, C>A on the plus strand (G>T on the coding strand, the complement: TSC1 is on the minus strand). VCF-style: chr9-132896650-C-A. GRCh37 (hg19) VCF-style: chr9-135772037-C-A.
Other names: c.3077G>T, p.Arg1026Leu (NM_001162426.2); c.2927G>T, p.Arg976Leu (NM_001162427.2); c.2717G>T, p.Arg906Leu (NM_001362177.2); short protein forms R1027L, R1026L, R906L, R976L.
Identifiers: ClinVar variation 466119 (VCV000466119.14), dbSNP rs796053461, ClinGen allele CA375367546.

ClinVar aggregate classification (germline): Uncertain significance. Review status: criteria provided, multiple submitters, no conflicts (2 of 4 stars). 3 submissions from 3 submitters: Uncertain significance (3). Last evaluated 2025-12-03.

Conditions:
Hereditary cancer-predisposing syndrome. Also called: Hereditary neoplastic syndrome; Neoplastic Syndromes, Hereditary; Tumor predisposition; Hereditary Cancer Syndrome. Identifiers: Orphanet 140162, MedGen C0027672, MeSH D009386, MONDO:0015356.
Tuberous sclerosis 1 (TSC1). Identifiers: Orphanet 805, MedGen C1854465, MONDO:0008612, OMIM 191100.
Isolated focal cortical dysplasia type II (FCORD2). Also called: CORTICAL DYSPLASIA OF TAYLOR; Focal cortical dysplasia type II. Identifiers: Orphanet 268994, MedGen C1846385, MONDO:0011818, OMIM 607341, HP:0032051.
Lymphangiomyomatosis (LAM). Also called: Lymphangioleiomyomatosis; Lymphangioleiomyomatosis, somatic. Identifiers: Orphanet 538, MedGen C0751674, MONDO:0011705, OMIM 606690.

Allele frequency attached by ClinVar (database versions not stated): gnomAD 0.00001.

Submissions (3):

Labcorp Genetics (formerly Invitae), Labcorp
Classification: Uncertain significance for Tuberous sclerosis 1. Last evaluated: 2025-12-03. Review status: criteria provided, single submitter. Criteria: Invitae Variant Classification Sherloc (09022015). Collection method: clinical testing. Allele origin: germline.
Comment: This sequence change replaces arginine, which is basic and polar, with leucine, which is neutral and non-polar, at codon 1027 of the TSC1 protein (p.Arg1027Leu). This variant is not present in population databases (gnomAD no frequency). This variant has not been reported in the literature in individuals affected with TSC1-related conditions. ClinVar contains an entry for this variant (Variation ID: 466119). Invitae Evidence Modeling of protein sequence and biophysical properties (such as structural, functional, and spatial information, amino acid conservation, physicochemical variation, residue mobility, and thermodynamic stability) indicates that this missense variant is not expected to disrupt TSC1 protein function with a negative predictive value of 95%. In summary, the available evidence is currently insufficient to determine the role of this variant in disease. Therefore, it has been classified as a Variant of Uncertain Significance.

Ambry Genetics
Classification: Uncertain significance for Hereditary cancer-predisposing syndrome. Last evaluated: 2024-11-13. Review status: criteria provided, single submitter. Criteria: Ambry Variant Classification Scheme 2023. Collection method: clinical testing. Allele origin: germline.
Comment: The p.R1027L variant (also known as c.3080G>T), located in coding exon 21 of the TSC1 gene, results from a G to T substitution at nucleotide position 3080. The arginine at codon 1027 is replaced by leucine, an amino acid with dissimilar properties. This amino acid position is highly conserved in available vertebrate species. In addition, the in silico prediction for this alteration is inconclusive. Based on the available evidence, the clinical significance of this variant remains unclear.

Fulgent Genetics
Classification: Uncertain significance for Tuberous sclerosis 1; Lymphangiomyomatosis; Isolated focal cortical dysplasia type II. Last evaluated: 2024-06-19. Review status: criteria provided, single submitter. Criteria: ACMG Guidelines, 2015. Collection method: clinical testing. Allele origin: germline.